The following is an entry in ClinVar:

NM_014975.3(MAST1):c.1912G>A (p.Ala638Thr)

Gene: MAST1 (microtubule associated serine/threonine kinase 1; plus strand). Cytogenetic location: 19p13.13.
Variant type: single nucleotide variant.
Coding change: c.1912G>A on transcript NM_014975.3 (MANE Select); coding-DNA position 1912, G replaced by A.
Protein change: p.Ala638Thr; replaces alanine 638 with threonine.
Molecular consequence: missense variant.
Genome position (GRCh38, 1-based): chr19:12,865,985, G>A. VCF-style: chr19-12865985-G-A. GRCh37 (hg19) VCF-style: chr19-12976799-G-A.
Other names: short protein forms A638T.
Identifiers: ClinVar variation 2212696 (VCV002212696.2), dbSNP rs1448895866, ClinGen allele CA404274248.

ClinVar aggregate classification (germline): Uncertain significance (1 of 4 stars; one submission).

Conditions:
Inborn genetic diseases. Identifiers: MedGen C0950123, MeSH D030342.

Allele frequency attached by ClinVar (database versions not stated): gnomAD exomes below 0.00001; TOPMed below 0.00001; gnomAD 0.00001.
gnomAD v4.1: 3 of 1,613,936 alleles (0.00019%); highest among the groups gnomAD compares: Non-Finnish European, 0.00025%; no homozygotes.

Submission:

Ambry Genetics
Classification: Uncertain significance for Inborn genetic diseases. Last evaluated: 2022-06-22. Review status: criteria provided, single submitter. Criteria: Ambry Variant Classification Scheme 2023. Collection method: clinical testing. Allele origin: germline.
Comment: The c.1912G>A (p.A638T) alteration is located in exon 17 (coding exon 17) of the MAST1 gene. This alteration results from a G to A substitution at nucleotide position 1912, causing the alanine (A) at amino acid position 638 to be replaced by a threonine (T). Based on data from gnomAD, the A allele has an overall frequency of 0.0006% (1/152184) total alleles studied. This amino acid position is highly conserved in available vertebrate species. This alteration is predicted to be tolerated by in silico analysis. Based on insufficient or conflicting evidence, the clinical significance of this alteration remains unclear.